The following is an entry in ClinVar:

ClinVar aggregate classification (germline): Likely benign. Review status: criteria provided, multiple submitters, no conflicts (2 of 4 stars). 3 submissions from 3 submitters: Likely benign (3). Last evaluated 2025-11-23.

Conditions:
KMT2D-related disorder. Also called: KMT2D-Related Disorders.
Kabuki syndrome. Also called: Kabuki make-up syndrome; NIIKAWA-KUROKI SYNDROME. Identifiers: Orphanet 2322, MedGen C0796004, MONDO:0016512.

Allele frequency attached by ClinVar (database versions not stated): TOPMed 0.00006; ESP Exome Variant Server 0.00008; ExAC 0.00003; gnomAD exomes 0.00003; gnomAD 0.00004.

Submissions (3):

PreventionGenetics, part of Exact Sciences
Classification: Likely benign for KMT2D-related condition. Last evaluated: 2025-11-23. Review status: criteria provided, single submitter. Criteria: ACMG Guidelines, 2015. Collection method: clinical testing. Allele origin: germline.
Comment: This variant is classified as likely benign based on ACMG/AMP sequence variant interpretation guidelines (Richards et al. 2015 PMID: 25741868, with internal and published modifications).

Labcorp Genetics (formerly Invitae), Labcorp
Classification: Likely benign for Kabuki syndrome. Last evaluated: 2025-05-12. Review status: criteria provided, single submitter. Criteria: Invitae Variant Classification Sherloc (09022015). Collection method: clinical testing. Allele origin: germline.

GeneDx
Classification: Likely benign. Last evaluated: 2020-02-11. Review status: criteria provided, single submitter. Criteria: GeneDx Variant Classification Process June 2021. Collection method: clinical testing. Allele origin: germline. Affected: yes.

NM_003482.4(KMT2D):c.7559G>A (p.Arg2520Gln)

Gene: KMT2D (lysine methyltransferase 2D; minus strand). Cytogenetic location: 12q13.12.
Variant type: single nucleotide variant.
Coding change: c.7559G>A on transcript NM_003482.4 (MANE Select); coding-DNA position 7559, G replaced by A.
Protein change: p.Arg2520Gln; replaces arginine 2520 with glutamine.
Molecular consequence: missense variant.
Genome position (GRCh38, 1-based): chr12:49,040,211, C>T on the plus strand (G>A on the coding strand, the complement: KMT2D is on the minus strand). VCF-style: chr12-49040211-C-T. GRCh37 (hg19) VCF-style: chr12-49433994-C-T.
Other names: short protein forms R2520Q.
Identifiers: ClinVar variation 570757 (VCV000570757.12), dbSNP rs369965791, ClinGen allele CA6547038.